The following is an entry in ClinVar:

ClinVar aggregate classification (germline): Uncertain significance. Review status: criteria provided, single submitter (1 of 4 stars). 2 submissions from 2 submitters: Uncertain significance (1). 1 of the submissions does not count toward it. Last evaluated 2022-07-28.

Conditions:
Sphingolipid activator protein 1 deficiency. Also called: METACHROMATIC LEUKODYSTROPHY DUE TO CEREBROSIDE SULFATASE ACTIVATOR DEFICIENCY; Saposin B Deficiency; Metachromatic leukodystrophy due to saposin B deficiency. Identifiers: Orphanet 512, MedGen C0268262, MONDO:0009590, OMIM 249900.
Metachromatic leukodystrophy (MLD). Also called: METACHROMATIC LEUKOENCEPHALOPATHY; Arylsulfatase A Deficiency; SULFATIDE LIPIDOSIS; ARSA DEFICIENCY; CEREBROSIDE SULFATASE DEFICIENCY; Cerebral sclerosis diffuse metachromatic form. Identifiers: Orphanet 512, MedGen C0023522, MONDO:0018868, OMIM 250100.

Allele frequency attached by ClinVar (database versions not stated): gnomAD exomes 0.00001; TOPMed 0.00001; gnomAD 0.00002.
gnomAD v4.1: 14 of 1,613,740 alleles (0.00087%); highest among the groups gnomAD compares: Non-Finnish European, 0.0012%; no homozygotes.

Submissions (2):

Labcorp Genetics (formerly Invitae), Labcorp
Classification: Uncertain significance for Sphingolipid activator protein 1 deficiency. Last evaluated: 2022-07-28. Review status: criteria provided, single submitter. Criteria: Invitae Variant Classification Sherloc (09022015). Collection method: clinical testing. Allele origin: germline.
Comment: This sequence change replaces glutamic acid, which is acidic and polar, with lysine, which is basic and polar, at codon 306 of the PSAP protein (p.Glu306Lys). This variant is present in population databases (no rsID available, gnomAD 0.003%). This variant has not been reported in the literature in individuals affected with PSAP-related conditions. ClinVar contains an entry for this variant (Variation ID: 991969). Algorithms developed to predict the effect of missense changes on protein structure and function are either unavailable or do not agree on the potential impact of this missense change (SIFT: "Not Available"; PolyPhen-2: "Benign"; Align-GVGD: "Not Available"). In summary, the available evidence is currently insufficient to determine the role of this variant in disease. Therefore, it has been classified as a Variant of Uncertain Significance.

Natera, Inc.
Classification: Uncertain significance for Metachromatic leukodystrophy. Last evaluated: 2020-04-11. Review status: no assertion criteria provided. Collection method: clinical testing. Allele origin: germline. Not counted in ClinVar's aggregate classification.

NM_002778.4(PSAP):c.916G>A (p.Glu306Lys)

Gene: PSAP (prosaposin; minus strand). Cytogenetic location: 10q22.1.
Variant type: single nucleotide variant.
Coding change: c.916G>A on transcript NM_002778.4 (MANE Select); coding-DNA position 916, G replaced by A.
Protein change: p.Glu306Lys; replaces glutamic acid 306 with lysine.
Molecular consequence: missense variant.
Genome position (GRCh38, 1-based): chr10:71,820,329, C>T on the plus strand (G>A on the coding strand, the complement: PSAP is on the minus strand). VCF-style: chr10-71820329-C-T. GRCh37 (hg19) VCF-style: chr10-73580086-C-T.
Other names: c.925G>A, p.Glu309Lys (NM_001042465.3); c.922G>A, p.Glu308Lys (NM_001042466.3); short protein forms E306K, E308K, E309K.
Identifiers: ClinVar variation 991969 (VCV000991969.3), dbSNP rs1431665170, ClinGen allele CA377146337.